The following is an entry in ClinVar:

ClinVar aggregate classification (germline): Uncertain significance. Review status: criteria provided, multiple submitters, no conflicts (2 of 4 stars). 4 submissions from 4 submitters: Uncertain significance (4). Last evaluated 2023-05-19.

Conditions:
Spastic paraplegia. Identifiers: MedGen C0037772, HP:0001258.
Intellectual developmental disorder, X-linked, syndromic, Claes-Jensen type. Also called: INTELLECTUAL DEVELOPMENTAL DISORDER, X-LINKED, SYNDROMIC 16; MENTAL RETARDATION, X-LINKED, SYNDROMIC 16; Syndromic X-linked intellectual disability Claes-Jensen type. Identifiers: Orphanet 85279, MedGen C1845243, MONDO:0010355, OMIM 300534.

Allele frequency attached by ClinVar (database versions not stated): gnomAD exomes 0.00001; TOPMed 0.00002.
gnomAD v4.1: 6 of 1,212,032 alleles (0.0005%); highest among the groups gnomAD compares: Admixed American, 0.0065%; no homozygotes.

Submissions (4):

Labcorp Genetics (formerly Invitae), Labcorp
Classification: Uncertain significance for Spastic paraplegia. Last evaluated: 2023-05-19. Review status: criteria provided, single submitter. Criteria: Invitae Variant Classification Sherloc (09022015). Collection method: clinical testing. Allele origin: germline.
Comment: In summary, the available evidence is currently insufficient to determine the role of this variant in disease. Therefore, it has been classified as a Variant of Uncertain Significance. Advanced modeling of protein sequence and biophysical properties (such as structural, functional, and spatial information, amino acid conservation, physicochemical variation, residue mobility, and thermodynamic stability) performed at Invitae indicates that this missense variant is not expected to disrupt KDM5C protein function. ClinVar contains an entry for this variant (Variation ID: 1194188). This variant has not been reported in the literature in individuals affected with KDM5C-related conditions. This variant is present in population databases (no rsID available, gnomAD 0.004%). This sequence change replaces alanine, which is neutral and non-polar, with threonine, which is neutral and polar, at codon 956 of the KDM5C protein (p.Ala956Thr).

Baylor Genetics
Classification: Uncertain significance for Intellectual developmental disorder, X-linked, syndromic, Claes-Jensen type. Last evaluated: 2022-07-18. Review status: criteria provided, single submitter. Criteria: ACMG Guidelines, 2015. Collection method: clinical testing. Allele origin: unknown.

GeneDx
Classification: Uncertain significance. Last evaluated: 2020-02-16. Review status: criteria provided, single submitter. Criteria: GeneDx Variant Classification Process June 2021. Collection method: clinical testing. Allele origin: germline. Affected: yes.
Comment: Not observed at a significant frequency in large population cohorts (Lek et al., 2016); In silico analysis, which includes protein predictors and evolutionary conservation, supports that this variant does not alter protein structure/function; Has not been previously published as pathogenic or benign to our knowledge

Wangler Lab, Baylor College of Medicine
Classification: Uncertain significance for Intellectual developmental disorder, X-linked, syndromic, Claes-Jensen type. Review status: criteria provided, single submitter. Criteria: ACMG Guidelines, 2015. Collection method: clinical testing. Allele origin: maternal. Inheritance: X-linked inheritance. Affected: yes. Observed: 1 hemizygote.
Comment: This missense KDM5C variant at c.2866G>A (p.A956T) was seen on exome through the Texome Project (R01HG011795). This variant has been observed in gnomAD in one female (frequency of <0.001%) but has not been observed in males. It has an inconclusive CADD score (19.430) and the evolutionary conservation of this residue is high. We classify this as a variant of uncertain significance.

NM_004187.5(KDM5C):c.2866G>A (p.Ala956Thr)

Gene: KDM5C (lysine demethylase 5C; minus strand). Cytogenetic location: Xp11.22.
Variant type: single nucleotide variant.
Coding change: c.2866G>A on transcript NM_004187.5 (MANE Select); coding-DNA position 2866, G replaced by A.
Protein change: p.Ala956Thr; replaces alanine 956 with threonine.
Molecular consequence: missense variant. On other transcripts: non-coding transcript variant (3).
Genome position (GRCh38, 1-based): chrX:53,196,801, C>T on the plus strand (G>A on the coding strand, the complement: KDM5C is on the minus strand). VCF-style: chrX-53196801-C-T. GRCh37 (hg19) VCF-style: chrX-53225983-C-T.
Other names: c.2866G>A, p.Ala956Thr (NM_001353978.3, NM_001353981.2, NM_001353984.2); c.2863G>A, p.Ala955Thr (NM_001353979.2, NM_001353982.2, NM_001282622.3); c.2665G>A, p.Ala889Thr (NM_001146702.2); short protein forms A889T, A955T, A956T.
Identifiers: ClinVar variation 1194188 (VCV001194188.8), dbSNP rs1392496114, ClinGen allele CA413112510.